The following is an entry in ClinVar:

NM_030912.3(TRIM8):c.354C>A (p.His118Gln)

Gene: TRIM8 (tripartite motif containing 8; plus strand). Cytogenetic location: 10q24.32.
Variant type: single nucleotide variant.
Coding change: c.354C>A on transcript NM_030912.3 (MANE Select); coding-DNA position 354, C replaced by A.
Protein change: p.His118Gln; replaces histidine 118 with glutamine.
Molecular consequence: missense variant. On other transcripts: non-coding transcript variant (1).
Genome position (GRCh38, 1-based): chr10:102,644,971, C>A. VCF-style: chr10-102644971-C-A. GRCh37 (hg19) VCF-style: chr10-104404728-C-A.
Other names: c.354C>A, p.His118Gln (NM_001345950.1); short protein forms H118Q.
Identifiers: ClinVar variation 2114747 (VCV002114747.4), dbSNP rs774633423, ClinGen allele CA5668071.

ClinVar aggregate classification (germline): Uncertain significance (1 of 4 stars; one submission).

Submission:

Labcorp Genetics (formerly Invitae), Labcorp
Classification: Uncertain significance. Last evaluated: 2025-12-01. Review status: criteria provided, single submitter. Criteria: Invitae Variant Classification Sherloc (09022015). Collection method: clinical testing. Allele origin: germline.
Comment: This sequence change replaces histidine, which is basic and polar, with glutamine, which is neutral and polar, at codon 118 of the TRIM8 protein (p.His118Gln). The frequency data for this variant in the population databases is considered unreliable, as metrics indicate poor data quality at this position in the gnomAD database. This variant has not been reported in the literature in individuals affected with TRIM8-related conditions. ClinVar contains an entry for this variant (Variation ID: 2114747). An algorithm developed to predict the effect of missense changes on protein structure and function (PolyPhen-2) suggests that this variant is likely to be disruptive. In summary, the available evidence is currently insufficient to determine the role of this variant in disease. Therefore, it has been classified as a Variant of Uncertain Significance.